The following is an entry in ClinVar:

ClinVar aggregate classification (germline): Uncertain significance (1 of 4 stars; one submission).

Submission:

Ambry Genetics
Classification: Uncertain significance. Last evaluated: 2022-04-21. Review status: criteria provided, single submitter. Criteria: Ambry Variant Classification Scheme 2023. Collection method: clinical testing. Allele origin: germline.
Comment: The p.P843R variant (also known as c.2528C>G), located in coding exon 24 of the RASA2 gene, results from a C to G substitution at nucleotide position 2528. The proline at codon 843 is replaced by arginine, an amino acid with dissimilar properties. This amino acid position is conserved. In addition, this alteration is predicted to be deleterious by in silico analysis. Since supporting evidence is limited at this time, the clinical significance of this alteration remains unclear.

NM_006506.5(RASA2):c.2528C>G (p.Pro843Arg)

Gene: RASA2 (RAS p21 protein activator 2; plus strand). Cytogenetic location: 3q23.
Variant type: single nucleotide variant.
Coding change: c.2528C>G on transcript NM_006506.5 (MANE Select); coding-DNA position 2528, C replaced by G.
Protein change: p.Pro843Arg; replaces proline 843 with arginine.
Molecular consequence: missense variant.
Genome position (GRCh38, 1-based): chr3:141,612,291, C>G. VCF-style: chr3-141612291-C-G. GRCh37 (hg19) VCF-style: chr3-141331133-C-G.
Other names: c.2531C>G, p.Pro844Arg (NM_001303245.3); c.2540C>G, p.Pro847Arg (NM_001303246.3); short protein forms P843R, P847R, P844R.
Identifiers: ClinVar variation 1792614 (VCV001792614.2), dbSNP rs2478892865, ClinGen allele CA354778845.